The following is an entry in ClinVar:

NM_000400.4(ERCC2):c.2183T>C (p.Phe728Ser)

Gene: ERCC2 (ERCC excision repair 2, TFIIH core complex helicase subunit; minus strand). Cytogenetic location: 19q13.32.
Variant type: single nucleotide variant.
Coding change: c.2183T>C on transcript NM_000400.4 (MANE Select); coding-DNA position 2183, T replaced by C.
Protein change: p.Phe728Ser; replaces phenylalanine 728 with serine.
Molecular consequence: missense variant.
Genome position (GRCh38, 1-based): chr19:45,352,216, A>G on the plus strand (T>C on the coding strand, the complement: ERCC2 is on the minus strand). VCF-style: chr19-45352216-A-G. GRCh37 (hg19) VCF-style: chr19-45855474-A-G.
Other names: short protein forms F728S.
Identifiers: ClinVar variation 3509862 (VCV003509862.1).

ClinVar aggregate classification (germline): Uncertain significance (1 of 4 stars; one submission).

Conditions:
Inborn genetic diseases. Identifiers: MedGen C0950123, MeSH D030342.

Submission:

Ambry Genetics
Classification: Uncertain significance for Inborn genetic diseases. Last evaluated: 2024-09-08. Review status: criteria provided, single submitter. Criteria: Ambry Variant Classification Scheme 2023. Collection method: clinical testing. Allele origin: germline.
Comment: The p.F728S variant (also known as c.2183T>C), located in coding exon 22 of the ERCC2 gene, results from a T to C substitution at nucleotide position 2183. The phenylalanine at codon 728 is replaced by serine, an amino acid with highly dissimilar properties. This amino acid position is conserved. In addition, this alteration is predicted to be deleterious by in silico analysis. Based on the available evidence, the clinical significance of this variant remains unclear.